The following is an entry in ClinVar:

NM_000135.4(FANCA):c.844G>T (p.Ala282Ser)

Gene: FANCA (FA complementation group A; minus strand). Cytogenetic location: 16q24.3.
Variant type: single nucleotide variant.
Coding change: c.844G>T on transcript NM_000135.4 (MANE Select); coding-DNA position 844, G replaced by T.
Protein change: p.Ala282Ser; replaces alanine 282 with serine.
Molecular consequence: missense variant.
Genome position (GRCh38, 1-based): chr16:89,799,215, C>A on the plus strand (G>T on the coding strand, the complement: FANCA is on the minus strand). VCF-style: chr16-89799215-C-A. GRCh37 (hg19) VCF-style: chr16-89865623-C-A.
Other names: c.844G>T, p.Ala282Ser (NM_001018112.3, NM_001286167.3); c.748G>T, p.Ala250Ser (NM_001351830.2); short protein forms A250S, A282S.
Identifiers: ClinVar variation 3848191 (VCV003848191.1).
Genomic context (GRCh38, chr16:89,799,215, plus strand): 5'-CAGGAACATACCAGCACCTCACGATCTTGTGAGTGGAGGACTCCTCCTGTACTCCAGCAG[C>A]CAAAGCGTCAAGTGCAACTGAAGACAGAGCCAGGAACAGAAAACAGATGTCAGCACACGG-3'
Protein context (NP_000126.2, residues 272-292): RMLIFALDAL[Ala282Ser]AGVQEESSTH

ClinVar aggregate classification (germline): Uncertain significance (1 of 4 stars; one submission).

Conditions:
Inborn genetic diseases. Identifiers: MedGen C0950123, MeSH D030342.

Submission:

Ambry Genetics
Classification: Uncertain significance for Inborn genetic diseases. Last evaluated: 2025-02-05. Review status: criteria provided, single submitter. Criteria: Ambry Variant Classification Scheme 2023. Collection method: clinical testing. Allele origin: germline.
Comment: The p.A282S variant (also known as c.844G>T), located in coding exon 10 of the FANCA gene, results from a G to T substitution at nucleotide position 844. The alanine at codon 282 is replaced by serine, an amino acid with similar properties. This amino acid position is conserved. In addition, this alteration is predicted to be tolerated by in silico analysis. Based on the available evidence, the clinical significance of this variant remains unclear.